The following is an entry in ClinVar:

ClinVar aggregate classification (germline): Likely benign (1 of 4 stars; one submission).

gnomAD v4.1: 4 of 1,614,116 alleles (0.00025%); highest among the groups gnomAD compares: Non-Finnish European, 0.00034%; no homozygotes.

Submission:

CeGaT Center for Human Genetics Tuebingen
Classification: Likely benign. Last evaluated: 2022-04-01. Review status: criteria provided, single submitter. Criteria: CeGaT Center For Human Genetics Tuebingen Variant Classification Criteria Version 2. Collection method: clinical testing. Allele origin: germline. Affected: yes. Observed: 1 variant allele.
Comment: THNSL1: PM2:Supporting, BP4, BP7

NM_024838.5(THNSL1):c.201G>A (p.Gly67=)

Genes: ENKUR (enkurin, TRPC channel interacting protein; minus strand), THNSL1 (threonine synthase like 1; plus strand). Cytogenetic location: 10p12.1.
Variant type: single nucleotide variant.
Coding change: c.201G>A on transcript NM_024838.5 (MANE Select); coding-DNA position 201, G replaced by A.
Protein change: p.Gly67=; no amino-acid change (glycine 67 retained).
Molecular consequence: synonymous variant. On other transcripts: intron variant (1).
Genome position (GRCh38, 1-based): chr10:25,023,424, G>A. VCF-style: chr10-25023424-G-A. GRCh37 (hg19) VCF-style: chr10-25312353-G-A.
Other names: c.38-27555C>T (NM_001270383.2).
Identifiers: ClinVar variation 2640359 (VCV002640359.22), dbSNP rs1850765359, ClinGen allele CA468656312.